The following is an entry in ClinVar:

ClinVar aggregate classification (germline): Likely pathogenic (1 of 4 stars; one submission).

Submission:

Labcorp Genetics (formerly Invitae), Labcorp
Classification: Likely pathogenic. Last evaluated: 2025-04-07. Review status: criteria provided, single submitter. Criteria: Invitae Variant Classification Sherloc (09022015). Collection method: clinical testing. Allele origin: germline.
Comment: This sequence change affects a donor splice site in intron 7 of the PEPD gene. It is expected to disrupt RNA splicing. Variants that disrupt the donor or acceptor splice site typically lead to a loss of protein function (PMID: 16199547), and loss-of-function variants in PEPD are known to be pathogenic (PMID: 8198124, 10721675, 12384772, 17142620). This variant is not present in population databases (gnomAD no frequency). This variant has not been reported in the literature in individuals affected with PEPD-related conditions. Algorithms developed to predict the effect of sequence changes on RNA splicing suggest that this variant may disrupt the consensus splice site. In summary, the currently available evidence indicates that the variant is pathogenic, but additional data are needed to prove that conclusively. Therefore, this variant has been classified as Likely Pathogenic.

Literature cited by the submitters: PubMed 16199547; PubMed 8198124; PubMed 10721675; PubMed 12384772; PubMed 17142620.

NM_000285.4(PEPD):c.548+1G>A

Gene: PEPD (peptidase D; minus strand). Cytogenetic location: 19q13.11.
Variant type: single nucleotide variant.
Coding change: c.548+1G>A on transcript NM_000285.4 (MANE Select); the canonical splice donor site of the intron after coding-DNA position 548, G replaced by A.
Molecular consequence: splice donor variant.
Genome position (GRCh38, 1-based): chr19:33,478,045, C>T on the plus strand (G>A on the coding strand, the complement: PEPD is on the minus strand). VCF-style: chr19-33478045-C-T. GRCh37 (hg19) VCF-style: chr19-33968951-C-T.
Other names: c.356+1G>A (NM_001166057.2); c.548+1G>A (NM_001166056.2).
Identifiers: ClinVar variation 4706494 (VCV004706494.1).